The following is an entry in ClinVar:

NM_002691.4(POLD1):c.3009G>T (p.Leu1003=)

Gene: POLD1 (DNA polymerase delta 1, catalytic subunit; plus strand). Cytogenetic location: 19q13.33.
Variant type: single nucleotide variant.
Coding change: c.3009G>T on transcript NM_002691.4 (MANE Select); coding-DNA position 3009, G replaced by T.
Protein change: p.Leu1003=; no amino-acid change (leucine 1003 retained).
Molecular consequence: synonymous variant. On other transcripts: non-coding transcript variant (1).
Genome position (GRCh38, 1-based): chr19:50,416,665, G>T. VCF-style: chr19-50416665-G-T. GRCh37 (hg19) VCF-style: chr19-50919922-G-T.
Other names: c.3009G>T, p.Leu1003= (NM_001256849.1); c.3087G>T, p.Leu1029= (NM_001308632.1); c.3009G>T (NM_002691.2).
Identifiers: ClinVar variation 1109586 (VCV001109586.11), dbSNP rs747794145, ClinGen allele CA508305416.

ClinVar aggregate classification (germline): Conflicting classifications of pathogenicity. Review status: criteria provided, conflicting classifications (1 of 4 stars). 3 submissions from 3 submitters: Uncertain significance (1); Likely benign (2). Last evaluated 2024-02-05.

Conditions:
Hereditary cancer-predisposing syndrome. Also called: Hereditary neoplastic syndrome; Neoplastic Syndromes, Hereditary; Tumor predisposition; Hereditary Cancer Syndrome. Identifiers: Orphanet 140162, MedGen C0027672, MeSH D009386, MONDO:0015356.
POLD1-related polyposis and colorectal cancer syndrome (CRCS10). Also called: Colorectal cancer, susceptibility to, 10; Colorectal cancer 10; COLORECTAL CANCER, SUSCEPTIBILITY TO, ON CHROMOSOME 19q. Identifiers: Orphanet 220460, MedGen C2675481, MONDO:0012953, OMIM 612591.

Submissions (3):

Labcorp Genetics (formerly Invitae), Labcorp
Classification: Likely benign for POLD1-related polyposis and colorectal cancer syndrome. Last evaluated: 2024-02-05. Review status: criteria provided, single submitter. Criteria: Invitae Variant Classification Sherloc (09022015). Collection method: clinical testing. Allele origin: germline.

Ambry Genetics
Classification: Likely benign for Hereditary cancer-predisposing syndrome. Last evaluated: 2023-12-01. Review status: criteria provided, single submitter. Criteria: Ambry Variant Classification Scheme 2023. Collection method: clinical testing. Allele origin: germline.

Sema4
Classification: Uncertain significance for Hereditary cancer-predisposing syndrome. Last evaluated: 2021-05-20. Review status: criteria provided, single submitter. Criteria: Sema4 Curation Guidelines. Collection method: curation. Allele origin: germline.
Comment: The POLD1 c.3009G>T (p.L1003=) variant has not been reported in the literature to our knowledge. It was not observed in the large and broad cohorts of the Genome Aggregation Database (PMID: 32461654). The variant has not been reported in ClinVar. In silico tools suggest the impact of the variant on protein splicing is inconclusive, though these predictions have not been confirmed by functional studies. The evidence is insufficient to meet ACMG/AMP criteria for classifying the variant as benign or pathogenic. Thus, the clinical significance of this variant is currently uncertain.